The following is an entry in ClinVar:

NM_000540.3(RYR1):c.12759del (p.Glu4254fs)

Gene: RYR1 (ryanodine receptor 1; plus strand). Cytogenetic location: 19q13.2.
Variant type: Deletion.
Coding change: c.12759del on transcript NM_000540.3 (MANE Select); coding-DNA position 12759, one base deleted (C; older notation c.12759delC).
Protein change: p.Glu4254fs; shifts the reading frame from glutamic acid 4254.
Molecular consequence: frameshift variant.
Genome position (GRCh38, 1-based): chr19:38,565,093, C deleted; the last of 3 consecutive C bases (chr19:38,565,091-38,565,093); deleting any one gives the same sequence. VCF-style (leftmost placement, unchanged base first): chr19-38565090-GC-G. GRCh37 (hg19) VCF-style: chr19-39055730-GC-G.
Other names: c.12744del, p.Glu4249fs (NM_001042723.2); short protein forms E4249fs, E4254fs.
Identifiers: ClinVar variation 2026886 (VCV002026886.4), dbSNP rs2514674870, ClinGen allele CA2580097177.

ClinVar aggregate classification (germline): Pathogenic (1 of 4 stars; one submission).

Conditions:
RYR1-related disorder. Also called: RYR1-related condition; RYR1-related disorders. Identifiers: MedGen CN239331.

Submission:

Labcorp Genetics (formerly Invitae), Labcorp
Classification: Pathogenic for RYR1-related disorder. Last evaluated: 2022-08-24. Review status: criteria provided, single submitter. Criteria: Invitae Variant Classification Sherloc (09022015). Collection method: clinical testing. Allele origin: germline.
Comment: This sequence change creates a premature translational stop signal (p.Glu4254Argfs*87) in the RYR1 gene. It is expected to result in an absent or disrupted protein product. Loss-of-function variants in RYR1 are known to be pathogenic (PMID: 20583297, 20839240, 23919265, 28818389). This variant is not present in population databases (gnomAD no frequency). This variant has not been reported in the literature in individuals affected with RYR1-related conditions. For these reasons, this variant has been classified as Pathogenic.

Literature cited by the submitters: PubMed 20583297; PubMed 20839240; PubMed 23919265; PubMed 28818389.